The following is an entry in ClinVar:

NM_001394062.1(MACF1):c.17531G>A (p.Gly5844Asp)

Gene: MACF1 (microtubule actin crosslinking factor 1; plus strand). Cytogenetic location: 1p34.3.
Variant type: single nucleotide variant.
Coding change: c.17531G>A on transcript NM_001394062.1 (MANE Select); coding-DNA position 17531, G replaced by A.
Protein change: p.Gly5844Asp; replaces glycine 5844 with aspartic acid.
Molecular consequence: missense variant.
Genome position (GRCh38, 1-based): chr1:39,433,121, G>A. VCF-style: chr1-39433121-G-A. GRCh37 (hg19) VCF-style: chr1-39898793-G-A.
Other names: c.5600G>A, p.Gly1867Asp (NM_001397473.1); c.11345G>A, p.Gly3782Asp (NM_012090.5); short protein forms G1867D, G3782D, G5844D.
Identifiers: ClinVar variation 1695766 (VCV001695766.2), dbSNP rs922163645, ClinGen allele CA20942315.
Genomic context (GRCh38, chr1:39,433,121, plus strand): 5'-ACATTATTCGACACAAAGATTCAATGGATGAACTCTTCAGTCACCGTAGTGAAATCTTTG[G>A]CACATGTGGGGAGGAGCAAAAAACTGTATTACAGGTGAATTACATTTATTTATTTGCCAT-3'
Protein context (NP_001380991.1, residues 5834-5854): ELFSHRSEIF[Gly5844Asp]TCGEEQKTVL

ClinVar aggregate classification (germline): Uncertain significance (1 of 4 stars; one submission).

gnomAD v4.1: 1 of 1,611,592 alleles (0.000062%); no homozygotes.

Submission:

GeneDx
Classification: Uncertain significance. Last evaluated: 2022-01-10. Review status: criteria provided, single submitter. Criteria: GeneDx Variant Classification Process June 2021. Collection method: clinical testing. Allele origin: germline. Affected: yes.
Comment: Not observed at significant frequency in large population cohorts (gnomAD); In silico analysis supports that this missense variant does not alter protein structure/function; Has not been previously published as pathogenic or benign to our knowledge